The following continues an entry in ClinVar:

NM_000368.5(TSC1):c.1335A>G (p.Glu445=)

Gene: TSC1. ClinVar aggregate classification (germline): Benign. Benign (20).

Submissions 23 to 33 of 33:

Dr. Peter K. Rogan Lab, Western University
No classification provided (evidence only). Condition: Colorectal cancer. Review status: no classification provided. Collection method: in vitro. Allele origin: not applicable. Functional consequence: retained intron. Not counted in ClinVar's aggregate classification.

Dr. Peter K. Rogan Lab, Western University
No classification provided (evidence only). Condition: Colorectal cancer. Review status: no classification provided. Collection method: in vitro. Allele origin: not applicable. Functional consequence: retained intron. Not counted in ClinVar's aggregate classification.

Dr. Peter K. Rogan Lab, Western University
No classification provided (evidence only). Condition: Colorectal cancer. Review status: no classification provided. Collection method: in vitro. Allele origin: not applicable. Functional consequence: retained intron. Not counted in ClinVar's aggregate classification.

Dr. Peter K. Rogan Lab, Western University
No classification provided (evidence only). Condition: Colorectal cancer. Review status: no classification provided. Collection method: in vitro. Allele origin: not applicable. Functional consequence: retained intron. Not counted in ClinVar's aggregate classification.

Dr. Peter K. Rogan Lab, Western University
No classification provided (evidence only). Condition: Colorectal cancer. Review status: no classification provided. Collection method: in vitro. Allele origin: not applicable. Functional consequence: retained intron. Not counted in ClinVar's aggregate classification.

Dr. Peter K. Rogan Lab, Western University
No classification provided (evidence only). Condition: Colorectal cancer. Review status: no classification provided. Collection method: in vitro. Allele origin: not applicable. Functional consequence: retained intron. Not counted in ClinVar's aggregate classification.

Dr. Peter K. Rogan Lab, Western University
No classification provided (evidence only). Condition: Uterine carcinosarcoma. Review status: no classification provided. Collection method: in vitro. Allele origin: not applicable. Functional consequence: retained intron. Not counted in ClinVar's aggregate classification.

Dr. Peter K. Rogan Lab, Western University
No classification provided (evidence only). Condition: Uterine carcinosarcoma. Review status: no classification provided. Collection method: in vitro. Allele origin: not applicable. Functional consequence: retained intron. Not counted in ClinVar's aggregate classification.

Dr. Peter K. Rogan Lab, Western University
No classification provided (evidence only). Condition: Uterine carcinosarcoma. Review status: no classification provided. Collection method: in vitro. Allele origin: not applicable. Functional consequence: retained intron. Not counted in ClinVar's aggregate classification.

Genetic Services Laboratory, University of Chicago
Classification: Likely benign for AllHighlyPenetrant. Review status: no assertion criteria provided. Collection method: clinical testing. Allele origin: germline. Inheritance: Autosomal dominant inheritance. Not counted in ClinVar's aggregate classification.
Comment: Likely benign based on allele frequency in 1000 Genomes Project or ESP global frequency and its presence in a patient with a rare or unrelated disease phenotype. NOT Sanger confirmed.

Tuberous sclerosis database (TSC1)
No classification provided. Condition: TSC. Review status: no classification provided. Criteria: Tuberous Sclerosis Database Assertion Criteria 2015. Collection method: curation. Allele origin: germline. Affected: yes and no. Not counted in ClinVar's aggregate classification.